The following is an entry in ClinVar:

ClinVar aggregate classification (germline): Likely pathogenic. Review status: reviewed by expert panel (3 of 4 stars). 6 submissions from 6 submitters: Likely pathogenic (1). 5 of the submissions do not count toward it. Last evaluated 2024-12-06.

Conditions:
Mucopolysaccharidosis type 1. Also called: Mucopolysaccharidosis Type I; IDUA deficiency; MPS I. Identifiers: Orphanet 579, MedGen C0023786, MONDO:0001586.
Hurler syndrome. Also called: Gargoylism, Hurler Syndrome; MUCOPOLYSACCHARIDOSIS TYPE IH; Severe MPS I (Hurler Syndrome). Identifiers: Orphanet 93473, MedGen C0086795, MONDO:0011758, OMIM 607014.
Mucopolysaccharidosis, MPS-I-S. Also called: Scheie Syndrome; MPS V; MUCOPOLYSACCHARIDOSIS TYPE V; MUCOPOLYSACCHARIDOSIS TYPE IS. Identifiers: Orphanet 93474, MedGen C0026708, MONDO:0011760, OMIM 607016.
Mucopolysaccharidosis, MPS-I-H/S. Also called: Mucopolysaccharidosis type IH/S. Identifiers: Orphanet 93476, MedGen C0086431, MONDO:0011759, OMIM 607015.

Submissions (6):

ClinGen Lysosomal Storage Disorder Variant Curation Expert Panel
Classification: Likely pathogenic for Mucopolysaccharidosis type 1. Last evaluated: 2024-12-06. Review status: reviewed by expert panel. Criteria: ClinGen LSD ACMG Specifications IDUA V1.0.0. Collection method: curation. Allele origin: germline. Inheritance: Autosomal recessive inheritance.
Comment: The NM_000203.5:c.1073_1093del in IDUA is predicted to cause a change in the length of the protein (p.His358_Thr364del) due to an in-frame deletion of 7 amino acids in a non-repeat region (PM4). This deletion removes Arg363, a residue that has been shown to be important in substrate binding in IDUA and therefore has been defined as a critical residue by the ClinGen Lysosomal Diseases VCEP (PMIDs: 23959878, 24036510; 24480078, 25459762) (PM1). The variant is predicted to be "disease-causing" by MutationTaster, and MutPreIndel gives a score of 0.77463 suggesting that the variant is damaging to IDUA function (PP3). An individual with severe MPS 1 (Hurler syndrome) is reported to be compound heterozygous for the variant and another variant in IDUA that has been classified as pathogenic for MPS 1, c.1205G>A (p.Trp402Ter); phase confirmed (PMID: 31678774) (insufficient evidence to apply PP4, PM3 applied). The highest population minor allele frequency in gnomAD v4.1.0 is 8.477e-7 (1/1179614 alleles) in the European non-Finnish population, which is lower than the ClinGen Lysosomal Diseases VCEP’s threshold for PM2_Supporting (<0.00025), meeting this criterion (PM2_Supporting). There is a ClinVar entry for this variant (Variation ID: 557260). In summary, this variant meets the criteria to be classified as likely pathogenic for mucopolysaccharidosis type 1. IDUA-specific ACMG/AMP criteria applied, as specified by the ClinGen Lysosomal Diseases Variant Curation Expert Panel (Specifications Version 1.0.0): PM1, PM3, PM4, PP3 PM2_Supporting. (Classification approved by the ClinGen Lysosomal Diseases Variant Curation Expert Panel on December 6, 2024)

Labcorp Genetics (formerly Invitae), Labcorp
Classification: Pathogenic for Mucopolysaccharidosis type 1. Last evaluated: 2025-11-10. Review status: criteria provided, single submitter. Criteria: Invitae Variant Classification Sherloc (09022015). Collection method: clinical testing. Allele origin: germline. Not counted in ClinVar's aggregate classification.
Comment: This variant, c.1073_1093del, results in the deletion of 7 amino acid(s) of the IDUA protein (p.His358_Thr364del), but otherwise preserves the integrity of the reading frame. This variant is not present in population databases (gnomAD no frequency). This variant has been observed in individual(s) with mucopolysaccharidosis type I (PMID: 31678774). In at least one individual the data is consistent with being in trans (on the opposite chromosome) from a pathogenic variant. ClinVar contains an entry for this variant (Variation ID: 557260). This variant disrupts a region of the IDUA protein in which other variant(s) (p.Thr364Met) have been determined to be pathogenic (PMID: 9391892, 10466419, 16435211, 29801497). This suggests that this is a clinically significant region of the protein, and that variants that disrupt it are likely to be disease-causing. For these reasons, this variant has been classified as Pathogenic.

Natera, Inc.
Classification: Likely pathogenic for Mucopolysaccharidosis type I. Last evaluated: 2025-02-03. Review status: criteria provided, single submitter. Criteria: Natera Variant Classification Schema (03/2026). Collection method: clinical testing. Allele origin: germline. Not counted in ClinVar's aggregate classification.
Comment: The c.1073_1093delACCCCTTCGCGCAGCGCACGC variant in IDUA is an in-frame deletion. This variant is rare in the general population with a frequency below the threshold expected for the associated phenotype(s). This variant has been observed in one or more individuals affected with the associated recessive disease, as either homozygous or compound heterozygous with a second variant (PMID: 31678774). This variant results in a change to the protein length while preserving reading frame, which may disrupt normal protein structure or function. Given the available evidence, this variant is classified as Likely Pathogenic.

Fulgent Genetics
Classification: Likely pathogenic for Hurler syndrome; Mucopolysaccharidosis, MPS-I-H/S; Mucopolysaccharidosis, MPS-I-S. Last evaluated: 2024-03-06. Review status: criteria provided, single submitter. Criteria: ACMG Guidelines, 2015. Collection method: clinical testing. Allele origin: germline. Not counted in ClinVar's aggregate classification.

Revvity Omics, Revvity
Classification: Likely pathogenic. Last evaluated: 2022-01-06. Review status: criteria provided, single submitter. Criteria: ACMG Guidelines, 2015. Collection method: clinical testing. Allele origin: germline. Not counted in ClinVar's aggregate classification.

Counsyl
Classification: Uncertain significance for Hurler syndrome. Last evaluated: 2018-03-14. Review status: no assertion criteria provided. Collection method: clinical testing. Allele origin: unknown. Not counted in ClinVar's aggregate classification.

Literature cited by the submitters: PubMed 31678774 (cited by Labcorp Genetics (formerly Invitae), Labcorp and Natera, Inc.); PubMed 9391892 (cited by Labcorp Genetics (formerly Invitae), Labcorp); PubMed 10466419 (cited by Labcorp Genetics (formerly Invitae), Labcorp); PubMed 16435211 (cited by Labcorp Genetics (formerly Invitae), Labcorp); PubMed 29801497 (cited by Labcorp Genetics (formerly Invitae), Labcorp).

NM_000203.5(IDUA):c.1073_1093del (p.His358_Thr364del)

Gene: IDUA (alpha-L-iduronidase; plus strand). Cytogenetic location: 4p16.3.
Variant type: Deletion.
Coding change: c.1073_1093del on transcript NM_000203.5 (MANE Select); coding-DNA positions 1073 to 1093, 21 bases deleted (ACCCCTTCGCGCAGCGCACGC).
Protein change: p.His358_Thr364del.
Molecular consequence: inframe deletion. On other transcripts: non-coding transcript variant (1).
Genome position (GRCh38, 1-based): chr4:1,002,369-1,002,389, ACCCCTTCGCGCAGCGCACGC deleted; deleting any 21 consecutive bases within chr4:1,002,366-1,002,389 gives the same sequence; the c. name uses the placement nearest the transcript's 3' end. VCF-style (leftmost placement, unchanged base first): chr4-1002365-CCGCACCCCTTCGCGCAGCGCA-C. GRCh37 (hg19) VCF-style: chr4-996153-CCGCACCCCTTCGCGCAGCGCA-C.
Other names: NM_000203.5(IDUA):c.1073_1093del; p.His358_Thr364del; c.677_697del, p.His226_Thr232del (NM_001363576.1); c.1073_1093delACCCCTTCGCGCAGCGCACGC (NM_000203.4).
Identifiers: ClinVar variation 557260 (VCV000557260.12), dbSNP rs1214495121, ClinGen allele CA658823289.